The following is an entry in ClinVar:

ClinVar aggregate classification (germline): Uncertain significance (1 of 4 stars; one submission).

Conditions:
GNAS-related disorder. Identifiers: MedGen CN380105.

gnomAD v4.1: 31 of 1,613,362 alleles (0.0019%); highest among the groups gnomAD compares: Non-Finnish European, 0.0025%; no homozygotes.

Submission:

PreventionGenetics, part of Exact Sciences
Classification: Uncertain significance for GNAS-related condition. Last evaluated: 2026-09-23. Review status: criteria provided, single submitter. Criteria: ACMG Guidelines, 2015. Collection method: clinical testing. Allele origin: germline.
Comment: The GNAS c.321C>G variant is predicted to result in the amino acid substitution p.Phe107Leu. This variant occurs in the pre-coding region of the primary transcript of this gene (NM_000516.7:c.-51300C>G). To our knowledge, this variant has not been reported in the literature. This variant is reported in 0.0036% of alleles in individuals of European (Non-Finnish) descent in gnomAD. At this time, the clinical significance of this variant is uncertain due to the absence of conclusive functional and genetic evidence.

NM_016592.5(GNAS):c.321C>G (p.Phe107Leu)

Genes: GNAS (GNAS complex locus; plus strand), GNAS-AS1 (GNAS antisense RNA 1; minus strand). Cytogenetic location: 20q13.32.
Variant type: single nucleotide variant.
Coding change: c.321C>G on transcript NM_016592.5 (MANE Plus Clinical); coding-DNA position 321, C replaced by G.
Protein change: p.Phe107Leu; replaces phenylalanine 107 with leucine.
Molecular consequence: missense variant. On other transcripts: 5 prime UTR variant (1).
Genome position (GRCh38, 1-based): chr20:58,840,427, C>G. VCF-style: chr20-58840427-C-G. GRCh37 (hg19) VCF-style: chr20-57415482-C-G.
Other names: c.-417C>G (NM_001410912.1); short protein forms F107L.
Identifiers: ClinVar variation 4977396 (VCV004977396.1).
Genomic context (GRCh38, chr20:58,840,427, plus strand): 5'-GCACGAGGAGGCAGACCTTGAGCTGTCCCTCCCCGAGTGCCTAGAGTACGAGGAAGAGTT[C>G]GACTACGAGACCGAGAGCGAGACCGAGTCCGAAATCGAGTCCGAGACCGACTTCGAGACC-3'
Protein context (NP_057676.1, residues 97-117): LPECLEYEEE[Phe107Leu]DYETESETES